The following is an entry in ClinVar:

NM_203487.3(PCDH9):c.1848T>G (p.Asp616Glu)

Gene: PCDH9 (protocadherin 9; minus strand). Cytogenetic location: 13q21.32.
Variant type: single nucleotide variant.
Coding change: c.1848T>G on transcript NM_203487.3 (MANE Select); coding-DNA position 1848, T replaced by G.
Protein change: p.Asp616Glu; replaces aspartic acid 616 with glutamic acid.
Molecular consequence: missense variant.
Genome position (GRCh38, 1-based): chr13:67,226,593, A>C on the plus strand (T>G on the coding strand, the complement: PCDH9 is on the minus strand). VCF-style: chr13-67226593-A-C. GRCh37 (hg19) VCF-style: chr13-67800725-A-C.
Other names: c.1848T>G, p.Asp616Glu (NM_001318372.2, NM_001318373.2, NM_001318374.2 and 1 more transcripts); short protein forms D616E.
Identifiers: ClinVar variation 3047653 (VCV003047653.2), dbSNP rs146006048, ClinGen allele CA6998733.

ClinVar aggregate classification (germline): Likely benign (0 of 4 stars; one submission).

Conditions:
PCDH9-related disorder. Also called: PCDH9-related condition.

Allele frequency attached by ClinVar (database versions not stated): gnomAD exomes 0.00007; ExAC 0.00026; ESP Exome Variant Server 0.00054; 1000 Genomes Project 0.00060; 1000 Genomes Project 30x 0.00062; gnomAD 0.00095; TOPMed 0.00102.
gnomAD v4.1: 252 of 1,614,032 alleles (0.016%); highest among the groups gnomAD compares: African/African-American, 0.31%; 1 homozygote.

Submission:

PreventionGenetics, part of Exact Sciences
Classification: Likely benign for PCDH9-related condition. Last evaluated: 2023-07-16. Review status: no assertion criteria provided. Collection method: clinical testing. Allele origin: germline.
Comment: This variant is classified as likely benign based on ACMG/AMP sequence variant interpretation guidelines (Richards et al. 2015 PMID: 25741868, with internal and published modifications).